The following is an entry in ClinVar:

ClinVar aggregate classification (germline): Uncertain significance (1 of 4 stars; one submission).

Submission:

Labcorp Genetics (formerly Invitae), Labcorp
Classification: Uncertain significance. Last evaluated: 2022-03-04. Review status: criteria provided, single submitter. Criteria: Invitae Variant Classification Sherloc (09022015). Collection method: clinical testing. Allele origin: germline.
Comment: In summary, the available evidence is currently insufficient to determine the role of this variant in disease. Therefore, it has been classified as a Variant of Uncertain Significance. Algorithms developed to predict the effect of missense changes on protein structure and function output the following: SIFT: "Not Available"; PolyPhen-2: "Benign"; Align-GVGD: "Not Available". The glutamine amino acid residue is found in multiple mammalian species, which suggests that this missense change does not adversely affect protein function. ClinVar contains an entry for this variant (Variation ID: 953842). This variant has not been reported in the literature in individuals affected with CEP250-related conditions. This variant is not present in population databases (gnomAD no frequency). This sequence change replaces lysine, which is basic and polar, with glutamine, which is neutral and polar, at codon 439 of the CEP250 protein (p.Lys439Gln).

NM_007186.6(CEP250):c.1315A>C (p.Lys439Gln)

Genes: CEP250 (centrosomal protein 250; plus strand), CEP250-AS1 (CEP250 antisense RNA 1; minus strand). Cytogenetic location: 20q11.22.
Variant type: single nucleotide variant.
Coding change: c.1315A>C on transcript NM_007186.6 (MANE Select); coding-DNA position 1315, A replaced by C.
Protein change: p.Lys439Gln; replaces lysine 439 with glutamine.
Molecular consequence: missense variant. On other transcripts: 5 prime UTR variant (1).
Genome position (GRCh38, 1-based): chr20:35,473,479, A>C. VCF-style: chr20-35473479-A-C. GRCh37 (hg19) VCF-style: chr20-34061304-A-C.
Other names: c.-585A>C (NM_001318219.1); short protein forms K439Q.
Identifiers: ClinVar variation 953842 (VCV000953842.10), dbSNP rs2063078572, ClinGen allele CA408761488.